The following is an entry in ClinVar:

ClinVar aggregate classification (germline): Likely benign. Review status: criteria provided, multiple submitters, no conflicts (2 of 4 stars). 6 submissions from 6 submitters: Likely benign (5). 1 of the submissions does not count toward it. Last evaluated 2026-01-12.

Conditions:
DLX3-related disorder. Also called: DLX3-related condition.
Hypomaturation-hypoplastic amelogenesis imperfecta with taurodontism. Also called: Amelogenesis imperfecta, type IV. Identifiers: Orphanet 100034, Orphanet 88661, MedGen C1863012, MONDO:0007093, OMIM 104510. Disease mechanism: loss of function.

Allele frequency attached by ClinVar (database versions not stated): ESP Exome Variant Server 0.00023; 1000 Genomes Project 0.00040; 1000 Genomes Project 30x 0.00047; gnomAD exomes 0.00047 and 0.00088; ExAC 0.00053; gnomAD 0.00066 and 0.00067; TOPMed 0.00078.
gnomAD v4.1: 1,399 of 1,609,444 alleles (0.087%); highest among the groups gnomAD compares: Middle Eastern, 0.18%; 1 homozygote.

Submissions (6):

Labcorp Genetics (formerly Invitae), Labcorp
Classification: Likely benign. Last evaluated: 2026-01-12. Review status: criteria provided, single submitter. Criteria: Invitae Variant Classification Sherloc (09022015). Collection method: clinical testing. Allele origin: germline.

Blueprint Genetics
Classification: Likely benign. Last evaluated: 2024-10-17. Review status: criteria provided, single submitter. Criteria: ACMG Guidelines, 2015. Collection method: clinical testing. Allele origin: germline.

Illumina Laboratory Services, Illumina
Classification: Likely benign for Hypomaturation-hypoplastic amelogenesis imperfecta with taurodontism. Last evaluated: 2018-01-13. Review status: criteria provided, single submitter. Criteria: ICSL Variant Classification Criteria 13 December 2019. Collection method: clinical testing. Allele origin: germline.
Comment: This variant was observed in the ICSL laboratory as part of a predisposition screen in an ostensibly healthy population. It had not been previously curated by ICSL or reported in the Human Gene Mutation Database (HGMD: prior to June 1st, 2018), and was therefore a candidate for classification through an automated scoring system. Utilizing variant allele frequency, disease prevalence and penetrance estimates, and inheritance mode, an automated score was calculated to assess if this variant is too frequent to cause the disease. Based on the score and internal cut-off values, a variant classified as likely benign is not then subjected to further curation. The score for this variant resulted in a classification of likely benign for this disease.

Eurofins Ntd Llc (ga)
Classification: Likely benign. Last evaluated: 2015-05-13. Review status: criteria provided, single submitter. Criteria: EGL Classification Definitions 2015. Collection method: clinical testing. Allele origin: germline. Observed: 1 variant allele, 1 heterozygote.

Breakthrough Genomics
Classification: Likely benign. Review status: criteria provided, single submitter. Criteria: ACMG Guidelines, 2015. Collection method: not provided. Allele origin: germline. Inheritance: Autosomal dominant inheritance. Affected: yes.

PreventionGenetics, part of Exact Sciences
Classification: Likely benign for DLX3-related condition. Last evaluated: 2024-03-13. Review status: no assertion criteria provided. Collection method: clinical testing. Allele origin: germline. Not counted in ClinVar's aggregate classification.
Comment: This variant is classified as likely benign based on ACMG/AMP sequence variant interpretation guidelines (Richards et al. 2015 PMID: 25741868, with internal and published modifications).

NM_005220.3(DLX3):c.832G>A (p.Gly278Arg)

Gene: DLX3 (distal-less homeobox 3; minus strand). Cytogenetic location: 17q21.33.
Variant type: single nucleotide variant.
Coding change: c.832G>A on transcript NM_005220.3 (MANE Select); coding-DNA position 832, G replaced by A.
Protein change: p.Gly278Arg; replaces glycine 278 with arginine.
Molecular consequence: missense variant.
Genome position (GRCh38, 1-based): chr17:49,991,549, C>T on the plus strand (G>A on the coding strand, the complement: DLX3 is on the minus strand). VCF-style: chr17-49991549-C-T. GRCh37 (hg19) VCF-style: chr17-48068913-C-T.
Other names: short protein forms G278R.
Identifiers: ClinVar variation 196407 (VCV000196407.20), dbSNP rs151180891, ClinGen allele CA202358.